The following is an entry in ClinVar:

ClinVar aggregate classification (germline): Conflicting classifications of pathogenicity. Review status: criteria provided, conflicting classifications (1 of 4 stars). 4 submissions from 4 submitters: Uncertain significance (2); Likely benign (2). Last evaluated 2025-10-02.

Conditions:
Inborn genetic diseases. Identifiers: MedGen C0950123, MeSH D030342.
INF2-related disorder. Also called: INF2-related condition.
Charcot-Marie-Tooth disease dominant intermediate E. Also called: CHARCOT-MARIE-TOOTH NEUROPATHY WITH FOCAL SEGMENTAL GLOMERULONEPHRITIS. Identifiers: Orphanet 93114, MedGen C4302667, MONDO:0013758, OMIM 614455.
Focal segmental glomerulosclerosis 5 (FSGS5). Identifiers: Orphanet 656, MedGen C2750475, MONDO:0013191, OMIM 613237.

Allele frequency attached by ClinVar (database versions not stated): gnomAD exomes 0.00004 and 0.00005; ExAC 0.00006; TOPMed 0.00006; gnomAD 0.00007 and 0.00008.
gnomAD v4.1: 79 of 1,589,696 alleles (0.005%); highest among the groups gnomAD compares: Non-Finnish European, 0.0061%; no homozygotes.

Submissions (4):

Labcorp Genetics (formerly Invitae), Labcorp
Classification: Likely benign for Charcot-Marie-Tooth disease dominant intermediate E; Focal segmental glomerulosclerosis 5. Last evaluated: 2025-10-02. Review status: criteria provided, single submitter. Criteria: Invitae Variant Classification Sherloc (09022015). Collection method: clinical testing. Allele origin: germline.

PreventionGenetics, part of Exact Sciences
Classification: Uncertain significance for INF2-related condition. Last evaluated: 2025-09-11. Review status: criteria provided, single submitter. Criteria: ACMG Guidelines, 2015. Collection method: clinical testing. Allele origin: germline.
Comment: The INF2 c.3157G>A variant is predicted to result in the amino acid substitution p.Val1053Met. To our knowledge, this variant has not been reported in the literature. This variant is reported in 0.0094% of alleles in individuals of European (Finnish) descent in gnomAD. At this time, the clinical significance of this variant is uncertain due to the absence of conclusive functional and genetic evidence.

CeGaT Center for Human Genetics Tuebingen
Classification: Likely benign. Last evaluated: 2024-05-01. Review status: criteria provided, single submitter. Criteria: CeGaT Center For Human Genetics Tuebingen Variant Classification Criteria Version 2. Collection method: clinical testing. Allele origin: germline. Affected: yes. Observed: 2 variant alleles.
Comment: INF2: BP4

Ambry Genetics
Classification: Uncertain significance for Inborn genetic diseases. Last evaluated: 2023-06-05. Review status: criteria provided, single submitter. Criteria: Ambry Variant Classification Scheme 2023. Collection method: clinical testing. Allele origin: germline.

NM_022489.4(INF2):c.3157G>A (p.Val1053Met)

Gene: INF2 (inverted formin 2; plus strand). Cytogenetic location: 14q32.33.
Variant type: single nucleotide variant.
Coding change: c.3157G>A on transcript NM_022489.4 (MANE Select); coding-DNA position 3157, G replaced by A.
Protein change: p.Val1053Met; replaces valine 1053 with methionine.
Molecular consequence: missense variant.
Genome position (GRCh38, 1-based): chr14:104,714,319, G>A. VCF-style: chr14-104714319-G-A. GRCh37 (hg19) VCF-style: chr14-105180656-G-A.
Other names: c.3157G>A, p.Val1053Met (NM_001031714.4); short protein forms V1053M.
Identifiers: ClinVar variation 661600 (VCV000661600.34), dbSNP rs760721935, ClinGen allele CA7373193.
Genomic context (GRCh38, chr14:104,714,319, plus strand): 5'-GAGCCCGGCCTTGATGCTACAACAGCCAGCGAGTCCCGGGGCTGGGACCTTGTAGACGCC[G>A]TGACCCCCGGCCCTCAGCCCACCCTGGAGCAGTTGGAGGAGGGTGGTCCACGGCCCCTGG-3'
Protein context (NP_071934.3, residues 1043-1063): ESRGWDLVDA[Val1053Met]TPGPQPTLEQ